The following is an entry in ClinVar:

NM_001040142.2(SCN2A):c.1351G>A (p.Glu451Lys)

Gene: SCN2A (sodium voltage-gated channel alpha subunit 2; plus strand). Cytogenetic location: 2q24.3.
Variant type: single nucleotide variant.
Coding change: c.1351G>A on transcript NM_001040142.2 (MANE Select); coding-DNA position 1351, G replaced by A.
Protein change: p.Glu451Lys; replaces glutamic acid 451 with lysine.
Molecular consequence: missense variant.
Genome position (GRCh38, 1-based): chr2:165,314,076, G>A. VCF-style: chr2-165314076-G-A. GRCh37 (hg19) VCF-style: chr2-166170586-G-A.
Other names: c.1351G>A, p.Glu451Lys (NM_001040143.2, NM_001371246.1, NM_001371247.1 and 1 more transcripts); short protein forms E451K.
Identifiers: ClinVar variation 373322 (VCV000373322.1), dbSNP rs1057518350, ClinGen allele CA16042426.

ClinVar aggregate classification (germline): Uncertain significance (1 of 4 stars; one submission).

Allele frequency attached by ClinVar (database versions not stated): gnomAD below 0.00001 and 0.00001; gnomAD exomes below 0.00001.
gnomAD v4.1: 4 of 1,613,410 alleles (0.00025%); highest among the groups gnomAD compares: South Asian, 0.0022%; no homozygotes.

Submission:

GeneDx
Classification: Uncertain significance. Last evaluated: 2016-11-15. Review status: criteria provided, single submitter. Criteria: GeneDx Variant Classification (06012015). Collection method: clinical testing. Allele origin: germline. Affected: yes.
Comment: The E451K variant in the SCN2A gene has not been reported previously as a pathogenic variant, nor as a benign variant, to our knowledge. The E451K variant was not observed in approximately 6,500 individuals of European and African American ancestry in the NHLBI Exome Sequencing Project, indicating it is not a common benign variant in these populations. The E451K variant is a non-conservative amino acid substitution, which is likely to impact secondary protein structure as these residues differ in polarity, charge, size and/or other properties. This substitution occurs at a position that is conserved across species and in silico analysis predicts this variant is probably damaging to the protein structure/function. This substitution is predicted to be within the intracellular loop between the S6 transmembrane segments of the first homologous domain and S1 transmembrane segments of the second homologous domain. We interpret E451K as a variant of uncertain significance.